The following is an entry in ClinVar:

ClinVar aggregate classification (germline): Uncertain significance. Review status: criteria provided, multiple submitters, no conflicts (2 of 4 stars). 2 submissions from 2 submitters: Uncertain significance (2). Last evaluated 2026-04-27.

Conditions:
Inborn genetic diseases. Identifiers: MedGen C0950123, MeSH D030342.

Allele frequency attached by ClinVar (database versions not stated): gnomAD 0.00001; 1000 Genomes Project 30x 0.00016; ExAC 0.00001; 1000 Genomes Project 0.00020.
gnomAD v4.1: 5 of 1,614,126 alleles (0.00031%); highest among the groups gnomAD compares: Admixed American, 0.0017%; no homozygotes.

Submissions (2):

Ambry Genetics
Classification: Uncertain significance for Inborn genetic diseases. Last evaluated: 2026-04-27. Review status: criteria provided, single submitter. Criteria: Ambry Variant Classification Scheme 2023. Collection method: clinical testing. Allele origin: germline.
Comment: The p.H1154R variant (also known as c.3461A>G), located in coding exon 24 of the ANKRD26 gene, results from an A to G substitution at nucleotide position 3461. The histidine at codon 1154 is replaced by arginine, an amino acid with highly similar properties. This amino acid position is conserved. In addition, this alteration is predicted to be tolerated by in silico analysis. Based on the available evidence, the clinical significance of this variant remains unclear.

Labcorp Genetics (formerly Invitae), Labcorp
Classification: Uncertain significance. Last evaluated: 2022-03-19. Review status: criteria provided, single submitter. Criteria: Invitae Variant Classification Sherloc (09022015). Collection method: clinical testing. Allele origin: germline.
Comment: This sequence change replaces histidine, which is basic and polar, with arginine, which is basic and polar, at codon 1154 of the ANKRD26 protein (p.His1154Arg). This variant is present in population databases (rs529002062, gnomAD 0.003%). This variant has not been reported in the literature in individuals affected with ANKRD26-related conditions. Algorithms developed to predict the effect of missense changes on protein structure and function (SIFT, PolyPhen-2, Align-GVGD) all suggest that this variant is likely to be tolerated. In summary, the available evidence is currently insufficient to determine the role of this variant in disease. Therefore, it has been classified as a Variant of Uncertain Significance.

NM_014915.3(ANKRD26):c.3461A>G (p.His1154Arg)

Gene: ANKRD26 (ankyrin repeat domain 26; minus strand). Cytogenetic location: 10p12.1.
Variant type: single nucleotide variant.
Coding change: c.3461A>G on transcript NM_014915.3 (MANE Select); coding-DNA position 3461, A replaced by G.
Protein change: p.His1154Arg; replaces histidine 1154 with arginine.
Molecular consequence: missense variant.
Genome position (GRCh38, 1-based): chr10:27,034,989, T>C on the plus strand (A>G on the coding strand, the complement: ANKRD26 is on the minus strand). VCF-style: chr10-27034989-T-C. GRCh37 (hg19) VCF-style: chr10-27323918-T-C.
Other names: c.3458A>G, p.His1153Arg (NM_001256053.2); short protein forms H1153R, H1154R.
Identifiers: ClinVar variation 2114615 (VCV002114615.5), dbSNP rs529002062, ClinGen allele CA5448034.